The following is an entry in ClinVar:

NM_144997.7(FLCN):c.436G>A (p.Glu146Lys)

Gene: FLCN (folliculin; minus strand). Cytogenetic location: 17p11.2.
Variant type: single nucleotide variant.
Coding change: c.436G>A on transcript NM_144997.7 (MANE Select); coding-DNA position 436, G replaced by A.
Protein change: p.Glu146Lys; replaces glutamic acid 146 with lysine.
Molecular consequence: missense variant.
Genome position (GRCh38, 1-based): chr17:17,224,104, C>T on the plus strand (G>A on the coding strand, the complement: FLCN is on the minus strand). VCF-style: chr17-17224104-C-T. GRCh37 (hg19) VCF-style: chr17-17127418-C-T.
Other names: c.490G>A, p.Glu164Lys (NM_001353229.2); c.436G>A, p.Glu146Lys (NM_001353230.2, NM_001353231.2, NM_144606.7); short protein forms E164K, E146K.
Identifiers: ClinVar variation 1740078 (VCV001740078.7), dbSNP rs2144981673, ClinGen allele CA398534571.

ClinVar aggregate classification (germline): Uncertain significance. Review status: criteria provided, multiple submitters, no conflicts (2 of 4 stars). 2 submissions from 2 submitters: Uncertain significance (2). Last evaluated 2025-04-22.

Conditions:
Hereditary cancer-predisposing syndrome. Also called: Neoplastic Syndromes, Hereditary; Tumor predisposition; Hereditary Cancer Syndrome; Hereditary neoplastic syndrome. Identifiers: Orphanet 140162, MedGen C0027672, MeSH D009386, MONDO:0015356.
Birt-Hogg-Dube syndrome. Also called: Birt Hogg Dubé syndrome. Identifiers: Orphanet 122, MedGen C0346010, MONDO:0800444.

Allele frequency attached by ClinVar (database versions not stated): gnomAD exomes below 0.00001.

Submissions (2):

Labcorp Genetics (formerly Invitae), Labcorp
Classification: Uncertain significance for Birt-Hogg-Dube syndrome. Last evaluated: 2025-04-22. Review status: criteria provided, single submitter. Criteria: Invitae Variant Classification Sherloc (09022015). Collection method: clinical testing. Allele origin: germline.
Comment: This sequence change replaces glutamic acid, which is acidic and polar, with lysine, which is basic and polar, at codon 146 of the FLCN protein (p.Glu146Lys). This variant is not present in population databases (gnomAD no frequency). This variant has not been reported in the literature in individuals affected with FLCN-related conditions. ClinVar contains an entry for this variant (Variation ID: 1740078). Invitae Evidence Modeling of protein sequence and biophysical properties (such as structural, functional, and spatial information, amino acid conservation, physicochemical variation, residue mobility, and thermodynamic stability) indicates that this missense variant is not expected to disrupt FLCN protein function with a negative predictive value of 80%. In summary, the available evidence is currently insufficient to determine the role of this variant in disease. Therefore, it has been classified as a Variant of Uncertain Significance.

Ambry Genetics
Classification: Uncertain significance for Hereditary cancer-predisposing syndrome. Last evaluated: 2025-01-02. Review status: criteria provided, single submitter. Criteria: Ambry Variant Classification Scheme 2023. Collection method: clinical testing. Allele origin: germline.